The following is an entry in ClinVar:

ClinVar aggregate classification (germline): Uncertain significance (1 of 4 stars; one submission).

Conditions:
Facioscapulohumeral muscular dystrophy 2 (FSHD2). Also called: FACIOSCAPULOHUMERAL MUSCULAR DYSTROPHY 2, DIGENIC; FSHD2, DIGENIC; MUSCULAR DYSTROPHY, FACIOSCAPULOHUMERAL, TYPE 1B. Identifiers: Orphanet 269, MedGen C1834671, MONDO:0008031, OMIM 158901.

gnomAD v4.1: 1 of 1,501,494 alleles (0.000067%); highest among the groups gnomAD compares: East Asian, 0.0024%; no homozygotes.

Submission:

Labcorp Genetics (formerly Invitae), Labcorp
Classification: Uncertain significance for Facioscapulohumeral muscular dystrophy 2. Last evaluated: 2025-08-16. Review status: criteria provided, single submitter. Criteria: Invitae Variant Classification Sherloc (09022015). Collection method: clinical testing. Allele origin: germline.
Comment: This sequence change replaces asparagine, which is neutral and polar, with isoleucine, which is neutral and non-polar, at codon 977 of the SMCHD1 protein (p.Asn977Ile). This variant is not present in population databases (gnomAD no frequency). This variant has not been reported in the literature in individuals affected with SMCHD1-related conditions. Invitae Evidence Modeling of protein sequence and biophysical properties (such as structural, functional, and spatial information, amino acid conservation, physicochemical variation, residue mobility, and thermodynamic stability) indicates that this missense variant is not expected to disrupt SMCHD1 protein function with a negative predictive value of 80%. In summary, the available evidence is currently insufficient to determine the role of this variant in disease. Therefore, it has been classified as a Variant of Uncertain Significance.

NM_015295.3(SMCHD1):c.2930A>T (p.Asn977Ile)

Gene: SMCHD1 (structural maintenance of chromosomes flexible hinge domain containing 1; plus strand). Cytogenetic location: 18p11.32.
Variant type: single nucleotide variant.
Coding change: c.2930A>T on transcript NM_015295.3 (MANE Select); coding-DNA position 2930, A replaced by T.
Protein change: p.Asn977Ile; replaces asparagine 977 with isoleucine.
Molecular consequence: missense variant.
Genome position (GRCh38, 1-based): chr18:2,729,291, A>T. VCF-style: chr18-2729291-A-T. GRCh37 (hg19) VCF-style: chr18-2729289-A-T.
Other names: short protein forms N977I.
Identifiers: ClinVar variation 4704976 (VCV004704976.1).